The following is an entry in ClinVar:

ClinVar aggregate classification (germline): Uncertain significance. Review status: criteria provided, multiple submitters, no conflicts (2 of 4 stars). 2 submissions from 2 submitters: Uncertain significance (2). Last evaluated 2024-03-02.

Conditions:
X-linked hydrocephalus syndrome (HYCX). Also called: AQUEDUCTAL STENOSIS, X-LINKED; X-Linked Hydrocephalus with Stenosis of the Aqueduct of Sylvius; HYDROCEPHALUS, CONGENITAL, X-LINKED; X-Linked Hydrocephalus with Stenosis of the Aqueduct of Sylvius (HSAS); X-linked hydrocephalus. Identifiers: Orphanet 2182, MedGen C0265216, MONDO:0010611, OMIM 307000.
X-linked complicated corpus callosum dysgenesis. Also called: X-Linked Complicated Corpus Callosum Agenesis. Identifiers: Orphanet 1497, MedGen C1839909, MONDO:0010569, OMIM 304100.
MASA syndrome. Also called: MASA Syndrome (Mental Retardation, Adducted Thumbs, Shuffling Gait, and Aphasia); ADDUCTED THUMB WITH MENTAL RETARDATION; CLASPED THUMB AND MENTAL RETARDATION; GAREIS-MASON SYNDROME; MENTAL RETARDATION, APHASIA, SHUFFLING GAIT, AND ADDUCTED THUMBS; MASA (Mental Retardation, Adducted Thumbs, Shuffling Gait, Aphasia) Syndrome, Including SPG1 (X-Linked Complicated Hereditary Spastic Paraplegia Type 1). Identifiers: Orphanet 2466, MedGen C0795953, MONDO:0010559, OMIM 303350.

Allele frequency attached by ClinVar (database versions not stated): gnomAD exomes below 0.00001; TOPMed 0.00001.
gnomAD v4.1: 2 of 1,209,224 alleles (0.00017%); highest among the groups gnomAD compares: East Asian, 0.003%; no homozygotes.

Submissions (2):

GeneDx
Classification: Uncertain significance. Last evaluated: 2024-03-02. Review status: criteria provided, single submitter. Criteria: GeneDx Variant Classification Process June 2021. Collection method: clinical testing. Allele origin: germline.
Comment: Not observed at significant frequency in large population cohorts (gnomAD); In silico analysis supports that this missense variant has a deleterious effect on protein structure/function; Has not been previously published as pathogenic or benign to our knowledge

Juno Genomics, Hangzhou Juno Genomics, Inc
Classification: Uncertain significance for X-linked complicated corpus callosum dysgenesis; X-linked hydrocephalus syndrome; MASA syndrome. Review status: criteria provided, single submitter. Criteria: ACMG Guidelines, 2015. Collection method: clinical testing. Allele origin: germline.
Comment: Absent from controls (or at extremely low frequency if recessive) in Genome Aggregation Database.;Multiple lines of computational evidence support a deleterious effect on the gene or gene product.

NM_001278116.2(L1CAM):c.3473A>G (p.Asp1158Gly)

Gene: L1CAM (L1 cell adhesion molecule; minus strand). Cytogenetic location: Xq28.
Variant type: single nucleotide variant.
Coding change: c.3473A>G on transcript NM_001278116.2 (MANE Select); coding-DNA position 3473, A replaced by G.
Protein change: p.Asp1158Gly; replaces aspartic acid 1158 with glycine.
Molecular consequence: missense variant.
Genome position (GRCh38, 1-based): chrX:153,863,534, T>C on the plus strand (A>G on the coding strand, the complement: L1CAM is on the minus strand). VCF-style: chrX-153863534-T-C. GRCh37 (hg19) VCF-style: chrX-153128989-T-C.
Other names: c.3473A>G, p.Asp1158Gly (NM_000425.5, NM_024003.3); c.3458A>G, p.Asp1153Gly (NM_001143963.2); short protein forms D1153G, D1158G.
Identifiers: ClinVar variation 2663426 (VCV002663426.4), dbSNP rs1569544583, ClinGen allele CA415108906.